The following is an entry in ClinVar:

NM_001300905.2(BAZ2A):c.4008G>A (p.Pro1336=)

Gene: BAZ2A (bromodomain adjacent to zinc finger domain 2A; minus strand). Cytogenetic location: 12q13.3.
Variant type: single nucleotide variant.
Coding change: c.4008G>A on transcript NM_001300905.2 (MANE Select); coding-DNA position 4008, G replaced by A.
Protein change: p.Pro1336=; no amino-acid change (proline 1336 retained).
Molecular consequence: synonymous variant.
Genome position (GRCh38, 1-based): chr12:56,601,609, C>T on the plus strand (G>A on the coding strand, the complement: BAZ2A is on the minus strand). VCF-style: chr12-56601609-C-T. GRCh37 (hg19) VCF-style: chr12-56995393-C-T.
Other names: c.3918G>A, p.Pro1306= (NM_001351156.2); c.4014G>A, p.Pro1338= (NM_013449.4).
Identifiers: ClinVar variation 2643099 (VCV002643099.24), dbSNP rs372432526, ClinGen allele CA6634342.

ClinVar aggregate classification (germline): Likely benign (1 of 4 stars; one submission).

Allele frequency attached by ClinVar (database versions not stated): gnomAD exomes 0.00003; TOPMed 0.00003; ExAC 0.00004; gnomAD 0.00005; ESP Exome Variant Server 0.00008.

Submission:

CeGaT Center for Human Genetics Tuebingen
Classification: Likely benign. Last evaluated: 2022-11-01. Review status: criteria provided, single submitter. Criteria: CeGaT Center For Human Genetics Tuebingen Variant Classification Criteria Version 2. Collection method: clinical testing. Allele origin: germline. Affected: yes. Observed: 1 variant allele.
Comment: BAZ2A: BP4, BP7